The following is an entry in ClinVar:

NM_024577.4(SH3TC2):c.3675+5G>C

Gene: SH3TC2 (SH3 domain and tetratricopeptide repeats 2; minus strand). Cytogenetic location: 5q32.
Variant type: single nucleotide variant.
Coding change: c.3675+5G>C on transcript NM_024577.4 (MANE Select); 5 bases into the intron after coding-DNA position 3675, G replaced by C.
Molecular consequence: intron variant.
Genome position (GRCh38, 1-based): chr5:149,006,876, C>G on the plus strand (G>C on the coding strand, the complement: SH3TC2 is on the minus strand). VCF-style: chr5-149006876-C-G. GRCh37 (hg19) VCF-style: chr5-148386439-C-G.
Identifiers: ClinVar variation 1002177 (VCV001002177.4), dbSNP rs1302647300, ClinGen allele CA563954969.

ClinVar aggregate classification (germline): Uncertain significance (1 of 4 stars; one submission).

Conditions:
Charcot-Marie-Tooth disease type 4. Also called: Charcot-Marie-Tooth disease, type IV; Charcot-Marie-Tooth, Type 4. Identifiers: Orphanet 64749, MedGen C4082197, MONDO:0018995.

Allele frequency attached by ClinVar (database versions not stated): gnomAD exomes below 0.00001; TOPMed 0.00002; gnomAD 0.00003 and 0.00004.
gnomAD v4.1: 7 of 1,613,058 alleles (0.00043%); highest among the groups gnomAD compares: African/African-American, 0.0093%; no homozygotes.

Submission:

Labcorp Genetics (formerly Invitae), Labcorp
Classification: Uncertain significance for Charcot-Marie-Tooth disease type 4. Last evaluated: 2022-07-18. Review status: criteria provided, single submitter. Criteria: Invitae Variant Classification Sherloc (09022015). Collection method: clinical testing. Allele origin: germline.
Comment: This sequence change falls in intron 16 of the SH3TC2 gene. It does not directly change the encoded amino acid sequence of the SH3TC2 protein. It affects a nucleotide within the consensus splice site. This variant is present in population databases (no rsID available, gnomAD 0.02%). This variant has not been reported in the literature in individuals affected with SH3TC2-related conditions. ClinVar contains an entry for this variant (Variation ID: 1002177). Variants that disrupt the consensus splice site are a relatively common cause of aberrant splicing (PMID: 17576681, 9536098). Algorithms developed to predict the effect of sequence changes on RNA splicing suggest that this variant is not likely to affect RNA splicing. In summary, the available evidence is currently insufficient to determine the role of this variant in disease. Therefore, it has been classified as a Variant of Uncertain Significance.

Literature cited by the submitters: PubMed 17576681; PubMed 9536098.